The following is an entry in ClinVar:

ClinVar aggregate classification (germline): Uncertain significance. Review status: criteria provided, multiple submitters, no conflicts (2 of 4 stars). 3 submissions from 3 submitters: Uncertain significance (3). Last evaluated 2023-03-17.

Conditions:
Inborn genetic diseases. Identifiers: MedGen C0950123, MeSH D030342.
Meckel-Gruber syndrome. Also called: Dysencephalia splachnocystica; DYSENCEPHALIA SPLANCHNOCYSTICA; GRUBER SYNDROME. Identifiers: Orphanet 564, MedGen C0265215, MONDO:0018921.
Joubert syndrome. Also called: Familial aplasia of the vermis; JOUBERT-BOLTSHAUSER SYNDROME. Identifiers: Orphanet 475, MedGen C5979921, MONDO:0018772.

Allele frequency attached by ClinVar (database versions not stated): TOPMed below 0.00001; gnomAD 0.00001; gnomAD exomes 0.00001.
gnomAD v4.1: 18 of 1,584,762 alleles (0.0011%); highest among the groups gnomAD compares: East Asian, 0.032%; no homozygotes.

Submissions (3):

Ambry Genetics
Classification: Uncertain significance for Inborn genetic diseases. Last evaluated: 2023-03-17. Review status: criteria provided, single submitter. Criteria: Ambry Variant Classification Scheme 2023. Collection method: clinical testing. Allele origin: germline.

Labcorp Genetics (formerly Invitae), Labcorp
Classification: Uncertain significance for Joubert syndrome; Meckel-Gruber syndrome. Last evaluated: 2022-07-27. Review status: criteria provided, single submitter. Criteria: Invitae Variant Classification Sherloc (09022015). Collection method: clinical testing. Allele origin: germline.
Comment: This sequence change replaces asparagine, which is neutral and polar, with serine, which is neutral and polar, at codon 326 of the CC2D2A protein (p.Asn326Ser). The frequency data for this variant in the population databases is considered unreliable, as metrics indicate poor data quality at this position in the gnomAD database. This variant has not been reported in the literature in individuals affected with CC2D2A-related conditions. ClinVar contains an entry for this variant (Variation ID: 598719). Advanced modeling of protein sequence and biophysical properties (such as structural, functional, and spatial information, amino acid conservation, physicochemical variation, residue mobility, and thermodynamic stability) performed at Invitae indicates that this missense variant is not expected to disrupt CC2D2A protein function. In summary, the available evidence is currently insufficient to determine the role of this variant in disease. Therefore, it has been classified as a Variant of Uncertain Significance.

Eurofins Ntd Llc (ga)
Classification: Uncertain significance. Last evaluated: 2018-09-17. Review status: criteria provided, single submitter. Criteria: EGL ClinVar v180209 classification definitions. Collection method: clinical testing. Allele origin: germline. Observed: 1 variant allele, 1 heterozygote.

NM_001378615.1(CC2D2A):c.977A>G (p.Asn326Ser)

Genes: CC2D2A (coiled-coil and C2 domain containing 2A; plus strand), FBXL5 (F-box and leucine rich repeat protein 5; minus strand). Cytogenetic location: 4p15.32.
Variant type: single nucleotide variant.
Coding change: c.977A>G on transcript NM_001378615.1 (MANE Select); coding-DNA position 977, A replaced by G.
Protein change: p.Asn326Ser; replaces asparagine 326 with serine.
Molecular consequence: missense variant.
Genome position (GRCh38, 1-based): chr4:15,515,964, A>G. VCF-style: chr4-15515964-A-G. GRCh37 (hg19) VCF-style: chr4-15517587-A-G.
Other names: c.977A>G, p.Asn326Ser (NM_001080522.2); c.830A>G, p.Asn277Ser (NM_001378617.1); short protein forms N326S, N277S.
Identifiers: ClinVar variation 598719 (VCV000598719.9), dbSNP rs1425158863, ClinGen allele CA356409695.
Genomic context (GRCh38, chr4:15,515,964, plus strand): 5'-CCAGGTTCCTGGAAGATGAAGGCCTTTACACCGGGGTAAGACCAGAGGTGGCACGCACCA[A>G]TCAGAACATCATGGAGAACAGATTGCTGATGCAGGACCCCGTAAGTGTGCACCCTCTGCT-3'
Protein context (NP_001365544.1, residues 316-336): TGVRPEVART[Asn326Ser]QNIMENRLLM